The following is an entry in ClinVar:

ClinVar aggregate classification (germline): Uncertain significance (1 of 4 stars; one submission).

Conditions:
Hereditary cancer-predisposing syndrome. Also called: Neoplastic Syndromes, Hereditary; Hereditary neoplastic syndrome; Tumor predisposition; Hereditary Cancer Syndrome. Identifiers: Orphanet 140162, MedGen C0027672, MeSH D009386, MONDO:0015356.

Submission:

Ambry Genetics
Classification: Uncertain significance for Hereditary cancer-predisposing syndrome. Last evaluated: 2025-08-09. Review status: criteria provided, single submitter. Criteria: Ambry Variant Classification Scheme 2023. Collection method: clinical testing. Allele origin: germline.
Comment: The p.A327P variant (also known as c.979G>C), located in coding exon 1 of the MET gene, results from a G to C substitution at nucleotide position 979. The alanine at codon 327 is replaced by proline, an amino acid with highly similar properties. This amino acid position is conserved. In addition, this alteration is predicted to be tolerated by in silico analysis. Since supporting evidence is limited at this time, the clinical significance of this alteration remains unclear.

NM_000245.4(MET):c.979G>C (p.Ala327Pro)

Gene: MET (MET proto-oncogene, receptor tyrosine kinase; plus strand). Cytogenetic location: 7q31.2.
Variant type: single nucleotide variant.
Coding change: c.979G>C on transcript NM_000245.4 (MANE Select); coding-DNA position 979, G replaced by C.
Protein change: p.Ala327Pro; replaces alanine 327 with proline.
Molecular consequence: missense variant. On other transcripts: intron variant (1).
Genome position (GRCh38, 1-based): chr7:116,700,063, G>C. VCF-style: chr7-116700063-G-C. GRCh37 (hg19) VCF-style: chr7-116340117-G-C.
Other names: c.979G>C, p.Ala327Pro (NM_001127500.3, NM_001324401.3); c.-91+27486G>C (NM_001324402.2); short protein forms A327P.
Identifiers: ClinVar variation 2495772 (VCV002495772.3), dbSNP rs2116602432, ClinGen allele CA368970276.